The following is an entry in ClinVar:

ClinVar aggregate classification (germline): Uncertain significance (1 of 4 stars; one submission).

Conditions:
Cardiovascular phenotype. Identifiers: MedGen CN230736.

gnomAD v4.1: 6 of 1,613,580 alleles (0.00037%); highest among the groups gnomAD compares: Middle Eastern, 0.033%; no homozygotes.

Submission:

Ambry Genetics
Classification: Uncertain significance for Cardiovascular phenotype. Last evaluated: 2026-04-04. Review status: criteria provided, single submitter. Criteria: Ambry Variant Classification Scheme 2023. Collection method: clinical testing. Allele origin: germline.
Comment: The p.E61D variant (also known as c.183G>T), located in coding exon 1 of the TECRL gene, results from a G to T substitution at nucleotide position 183. The glutamic acid at codon 61 is replaced by aspartic acid, an amino acid with highly similar properties. This amino acid position is conserved. In addition, this alteration is predicted to be tolerated by in silico analysis. Based on the available evidence, the clinical significance of this variant remains unclear.

NM_001010874.5(TECRL):c.183G>T (p.Glu61Asp)

Gene: TECRL (trans-2,3-enoyl-CoA reductase like; minus strand). Cytogenetic location: 4q13.1.
Variant type: single nucleotide variant.
Coding change: c.183G>T on transcript NM_001010874.5 (MANE Select); coding-DNA position 183, G replaced by T.
Protein change: p.Glu61Asp; replaces glutamic acid 61 with aspartic acid.
Molecular consequence: missense variant.
Genome position (GRCh38, 1-based): chr4:64,409,169, C>A on the plus strand (G>T on the coding strand, the complement: TECRL is on the minus strand). VCF-style: chr4-64409169-C-A. GRCh37 (hg19) VCF-style: chr4-65274887-C-A.
Other names: c.183G>T, p.Glu61Asp (NM_001363796.1); short protein forms E61D.
Identifiers: ClinVar variation 4865415 (VCV004865415.1).